The following is an entry in ClinVar:

NM_001348716.2(KDM6B):c.753ACC[7] (p.Pro259_Pro264del)

Gene: KDM6B (lysine demethylase 6B; plus strand). Cytogenetic location: 17p13.1.
Variant type: Microsatellite.
Coding change: c.753ACC[7] on transcript NM_001348716.2 (MANE Select); seven copies in a row of the 3-base unit ACC starting at c.753; the reference has 13 copies in a row; six copies, 18 bases deleted.
Protein change: p.Pro259_Pro264del.
Molecular consequence: inframe deletion.
Genome position (GRCh38, 1-based): chr17:7,846,881-7,846,898, ACCACCACCACCACCACC deleted; deleting any 18 consecutive bases within chr17:7,846,860-7,846,898 gives the same sequence; the position shown is the placement nearest the transcript's 3' end. VCF-style (leftmost placement, unchanged base first): chr17-7846859-TACCACCACCACCACCACC-T. GRCh37 (hg19) VCF-style: chr17-7750177-TACCACCACCACCACCACC-T.
Other names: c.753ACC[7], p.Pro259_Pro264del (NM_001080424.2).
Identifiers: ClinVar variation 2633853 (VCV002633853.8), dbSNP rs61462443, ClinGen allele CA775310756.

ClinVar aggregate classification (germline): Conflicting classifications of pathogenicity. Review status: criteria provided, conflicting classifications (1 of 4 stars). 2 submissions from 2 submitters: Uncertain significance (1); Likely benign (1). Last evaluated 2025-04-01.

Conditions:
KDM6B-related disorder. Also called: KDM6B-related condition.

Submissions (2):

CeGaT Center for Human Genetics Tuebingen
Classification: Likely benign. Last evaluated: 2025-04-01. Review status: criteria provided, single submitter. Criteria: CeGaT Center For Human Genetics Tuebingen Variant Classification Criteria Version 2. Collection method: clinical testing. Allele origin: germline. Affected: yes. Observed: 1 variant allele.
Comment: KDM6B: BS2

PreventionGenetics, part of Exact Sciences
Classification: Uncertain significance for KDM6B-related condition. Last evaluated: 2022-10-13. Review status: criteria provided, single submitter. Criteria: ACMG Guidelines, 2015. Collection method: clinical testing. Allele origin: germline.
Comment: The KDM6B c.774_791del18 variant is predicted to result in an in-frame deletion (p.Pro259_Pro264del). To our knowledge, this variant has not been reported in the literature or in a large population database, indicating this variant is rare. At this time, the clinical significance of this variant is uncertain due to the absence of conclusive functional and genetic evidence.